The following is an entry in ClinVar:

NM_001673.5(ASNS):c.3G>A (p.Met1Ile)

Genes: ASNS (asparagine synthetase (glutamine-hydrolyzing); minus strand), CZ1P-ASNS (CZ1P-ASNS readthrough; minus strand). Cytogenetic location: 7q21.3.
Variant type: single nucleotide variant.
Coding change: c.3G>A on transcript NM_001673.5 (MANE Select); coding-DNA position 3, G replaced by A.
Protein change: p.Met1Ile; changes the start codon (methionine 1).
Molecular consequence: missense variant, initiator codon variant. On other transcripts: non-coding transcript variant (1), intron variant (3).
Genome position (GRCh38, 1-based): chr7:97,869,154, C>T on the plus strand (G>A on the coding strand, the complement: ASNS is on the minus strand). VCF-style: chr7-97869154-C-T. GRCh37 (hg19) VCF-style: chr7-97498466-C-T.
Other names: c.3G>A, p.Met1Ile (NM_001352496.2, NM_133436.3, NM_183356.4); c.-1+3197G>A (NM_001178076.2); c.-12-49G>A (NM_001178075.2); c.-1+2887G>A (NM_001178077.1); short protein forms M1I.
Identifiers: ClinVar variation 2767602 (VCV002767602.3), dbSNP rs2484698746, ClinGen allele CA368274631.

ClinVar aggregate classification (germline): Pathogenic (1 of 4 stars; one submission).

Allele frequency attached by ClinVar (database versions not stated): gnomAD exomes below 0.00001.

Submission:

Labcorp Genetics (formerly Invitae), Labcorp
Classification: Pathogenic. Last evaluated: 2023-10-11. Review status: criteria provided, single submitter. Criteria: Invitae Variant Classification Sherloc (09022015). Collection method: clinical testing. Allele origin: germline.
Comment: This sequence change affects the initiator methionine of the ASNS mRNA. The next in-frame methionine is located at codon 22. This variant is not present in population databases (gnomAD no frequency). This variant has not been reported in the literature in individuals affected with ASNS-related conditions. This variant disrupts a region of the ASNS protein in which other variant(s) (p.Ala6Glu) have been determined to be pathogenic (PMID: 24139043). This suggests that this is a clinically significant region of the protein, and that variants that disrupt it are likely to be disease-causing. For these reasons, this variant has been classified as Pathogenic.

Literature cited by the submitters: PubMed 24139043.